The following is an entry in ClinVar:

ClinVar aggregate classification (germline): Conflicting classifications of pathogenicity. Review status: criteria provided, conflicting classifications (1 of 4 stars). 10 submissions from 10 submitters: Uncertain significance (2); Likely benign (8). Last evaluated 2026-09-01.

Conditions:
Cardiovascular phenotype. Identifiers: MedGen CN230736.
ZNF469-related disorder. Also called: ZNF469-related condition.
Ehlers-Danlos syndrome (EDS). Identifiers: Orphanet 98249, MedGen C0013720, MONDO:0020066.
Brittle cornea syndrome 1 (BCS1). Also called: DYSGENESIS MESODERMALIS CORNEAE ET SCLERAE; Corneal fragility keratoglobus, blue sclerae AND joint hypermobility; CORNEAL FRAGILITY, KERATOGLOBUS, BLUE SCLERAE, JOINT HYPEREXTENSIBILITY; EDS6B; FRAGILITAS OCULI WITH JOINT HYPEREXTENSIBILITY. Identifiers: Orphanet 90354, MedGen C0268344, MONDO:0024543, OMIM 229200.

Allele frequency attached by ClinVar (database versions not stated): 1000 Genomes Project 0.00020; ExAC 0.00046; 1000 Genomes Project 30x 0.00047; TOPMed 0.00088; gnomAD exomes 0.00099 and 0.00152; gnomAD 0.00109 and 0.00115.
gnomAD v4.1: 2,244 of 1,547,710 alleles (0.14%); highest among the groups gnomAD compares: Non-Finnish European, 0.17%; 1 homozygote.

Submissions (10):

CeGaT Center for Human Genetics Tuebingen
Classification: Likely benign. Last evaluated: 2026-09-01. Review status: criteria provided, single submitter. Criteria: CeGaT Center For Human Genetics Tuebingen Variant Classification Criteria Version 2. Collection method: clinical testing. Allele origin: germline. Affected: yes. Observed: 5 variant alleles.
Comment: ZNF469: BP4, BS1

Women's Health and Genetics/Laboratory Corporation of America, LabCorp
Classification: Likely benign. Last evaluated: 2026-06-15. Review status: criteria provided, single submitter. Criteria: LabCorp Variant Classification Summary - May 2015. Collection method: clinical testing. Allele origin: germline.
Comment: Variant summary: ZNF469 c.8705C>T (p.Thr2902Met) results in a non-conservative amino acid change in the encoded protein sequence. Algorithms developed to predict the effect of missense changes on protein structure and function are either unavailable or do not agree on the potential impact of this missense change. The variant allele was found at a frequency of 0.0014 in 1547710 control chromosomes, predominantly at a frequency of 0.0021 within the Finnish subpopulation in the gnomAD database, including 1 homozygotes. To our knowledge, no occurrence of c.8705C>T in individuals affected with ZNF469-related conditions and no experimental evidence demonstrating its impact on protein function have been reported. ClinVar contains an entry for this variant (Variation ID: 429662). Based on the evidence outlined above, the variant was classified as likely benign.

Labcorp Genetics (formerly Invitae), Labcorp
Classification: Likely benign. Last evaluated: 2026-01-24. Review status: criteria provided, single submitter. Criteria: Invitae Variant Classification Sherloc (09022015). Collection method: clinical testing. Allele origin: germline.

Mayo Clinic Laboratories, Mayo Clinic
Classification: Likely benign. Last evaluated: 2025-02-21. Review status: criteria provided, single submitter. Criteria: ACMG Guidelines, 2015. Collection method: clinical testing. Allele origin: germline. Observed: 5 variant alleles.
Comment: BS1, BP4_moderate

PreventionGenetics, part of Exact Sciences
Classification: Likely benign for ZNF469-related condition. Last evaluated: 2025-01-16. Review status: criteria provided, single submitter. Criteria: ACMG Guidelines, 2015. Collection method: clinical testing. Allele origin: germline.
Comment: This variant is classified as likely benign based on ACMG/AMP sequence variant interpretation guidelines (Richards et al. 2015 PMID: 25741868, with internal and published modifications).

Blueprint Genetics
Classification: Likely benign. Last evaluated: 2024-11-01. Review status: criteria provided, single submitter. Criteria: ACMG Guidelines, 2015. Collection method: clinical testing. Allele origin: germline.

GeneDx
Classification: Likely benign. Last evaluated: 2023-07-03. Review status: criteria provided, single submitter. Criteria: GeneDx Variant Classification Process June 2021. Collection method: clinical testing. Allele origin: germline. Affected: yes.
Comment: See Variant Classification Assertion Criteria.

Genome Diagnostics Laboratory, The Hospital for Sick Children
Classification: Uncertain significance for Ehlers-Danlos syndrome. Last evaluated: 2022-06-27. Review status: criteria provided, single submitter. Criteria: ACMG Guidelines, 2015. Collection method: clinical testing. Allele origin: germline.

Ambry Genetics
Classification: Likely benign for Cardiovascular phenotype. Last evaluated: 2019-05-02. Review status: criteria provided, single submitter. Criteria: Ambry Variant Classification Scheme 2023. Collection method: clinical testing. Allele origin: germline.

Fulgent Genetics
Classification: Uncertain significance for Brittle cornea syndrome 1. Last evaluated: 2018-10-31. Review status: criteria provided, single submitter. Criteria: ACMG Guidelines, 2015. Collection method: clinical testing. Allele origin: unknown.

Literature cited by the submitters: PubMed 29228253 (cited by Mayo Clinic Laboratories, Mayo Clinic and Ambry Genetics).

NM_001367624.2(ZNF469):c.8705C>T (p.Thr2902Met)

Gene: ZNF469 (zinc finger protein 469; plus strand). Cytogenetic location: 16q24.2.
Variant type: single nucleotide variant.
Coding change: c.8705C>T on transcript NM_001367624.2 (MANE Select); coding-DNA position 8705, C replaced by T.
Protein change: p.Thr2902Met; replaces threonine 2902 with methionine.
Molecular consequence: missense variant.
Genome position (GRCh38, 1-based): chr16:88,436,175, C>T. VCF-style: chr16-88436175-C-T. GRCh37 (hg19) VCF-style: chr16-88502583-C-T.
Other names: NM_001127464.1:c.8621C>T; NM_001127464.2:c.8621C>T; p.Thr2902Met; short protein forms T2902M.
Identifiers: ClinVar variation 429662 (VCV000429662.61), dbSNP rs536725615, ClinGen allele CA8225361.